The following is an entry in ClinVar:

ClinVar aggregate classification (germline): Uncertain significance. Review status: criteria provided, multiple submitters, no conflicts (2 of 4 stars). 2 submissions from 2 submitters: Uncertain significance (2). Last evaluated 2025-08-01.

Conditions:
Brugada syndrome. Also called: Sudden unexpected nocturnal death syndrome; Sudden Unexplained Death Syndrome; Sudden Unexplained Nocturnal Death Syndrome (SUNDS); Sudden unexplained nocturnal death syndrome. Identifiers: Orphanet 130, MedGen C1142166, MONDO:0015263.

Allele frequency attached by ClinVar (database versions not stated): TOPMed below 0.00001; gnomAD 0.00001; gnomAD exomes 0.00001.
gnomAD v4.1: 13 of 1,579,120 alleles (0.00082%); highest among the groups gnomAD compares: South Asian, 0.0012%; no homozygotes.

Submissions (2):

Mayo Clinic Laboratories, Mayo Clinic
Classification: Uncertain significance. Last evaluated: 2025-08-01. Review status: criteria provided, single submitter. Criteria: ACMG Guidelines, 2015. Collection method: clinical testing. Allele origin: germline. Observed: 1 variant allele.
Comment: BP4

Labcorp Genetics (formerly Invitae), Labcorp
Classification: Uncertain significance for Brugada syndrome. Last evaluated: 2025-01-14. Review status: criteria provided, single submitter. Criteria: Invitae Variant Classification Sherloc (09022015). Collection method: clinical testing. Allele origin: germline.
Comment: This sequence change replaces proline, which is neutral and non-polar, with threonine, which is neutral and polar, at codon 571 of the SCN10A protein (p.Pro571Thr). This variant is present in population databases (no rsID available, gnomAD 0.004%). This variant has not been reported in the literature in individuals affected with SCN10A-related conditions. ClinVar contains an entry for this variant (Variation ID: 1407174). Invitae Evidence Modeling of protein sequence and biophysical properties (such as structural, functional, and spatial information, amino acid conservation, physicochemical variation, residue mobility, and thermodynamic stability) indicates that this missense variant is not expected to disrupt SCN10A protein function with a negative predictive value of 95%. In summary, the available evidence is currently insufficient to determine the role of this variant in disease. Therefore, it has been classified as a Variant of Uncertain Significance.

Literature cited by the submitters: PubMed 35276540 (cited by Mayo Clinic Laboratories, Mayo Clinic).

NM_006514.4(SCN10A):c.1711C>A (p.Pro571Thr)

Gene: SCN10A (sodium voltage-gated channel alpha subunit 10; minus strand). Cytogenetic location: 3p22.2.
Variant type: single nucleotide variant.
Coding change: c.1711C>A on transcript NM_006514.4 (MANE Select); coding-DNA position 1711, C replaced by A.
Protein change: p.Pro571Thr; replaces proline 571 with threonine.
Molecular consequence: missense variant. On other transcripts: intron variant (1).
Genome position (GRCh38, 1-based): chr3:38,752,263, G>T on the plus strand (C>A on the coding strand, the complement: SCN10A is on the minus strand). VCF-style: chr3-38752263-G-T. GRCh37 (hg19) VCF-style: chr3-38793754-G-T.
Other names: p.Pro571Thr; c.1711C>A, p.Pro571Thr (NM_001293306.2); c.1462-2079C>A (NM_001293307.2); c.1711C>A (NM_006514.3); short protein forms P571T.
Identifiers: ClinVar variation 1407174 (VCV001407174.7), dbSNP rs1243498426, ClinGen allele CA352167154.